The following is an entry in ClinVar:

NM_004963.4(GUCY2C):c.1136T>C (p.Met379Thr)

Genes: GUCY2C (guanylate cyclase 2C; minus strand), GUCY2C-AS1 (GUCY2C antisense RNA 1; plus strand). Cytogenetic location: 12p12.3.
Variant type: single nucleotide variant.
Coding change: c.1136T>C on transcript NM_004963.4 (MANE Select); coding-DNA position 1136, T replaced by C.
Protein change: p.Met379Thr; replaces methionine 379 with threonine.
Molecular consequence: missense variant.
Genome position (GRCh38, 1-based): chr12:14,672,907, A>G on the plus strand (T>C on the coding strand, the complement: GUCY2C is on the minus strand). VCF-style: chr12-14672907-A-G. GRCh37 (hg19) VCF-style: chr12-14825841-A-G.
Other names: p.Met379Thr; short protein forms M379T.
Identifiers: ClinVar variation 3103297 (VCV003103297.4), dbSNP rs1268735277, ClinGen allele CA383999655.
Genomic context (GRCh38, chr12:14,672,907, plus strand): 5'-ATTTTCTGATAAGCAGTGAGACATACTTTCTTGGTGTCCACAGAGGTATACAGAAGCACC[A>G]TGGTACTGTCAACATCCCCCCAGTCATCCAAGGTCACTGGACCGTCATACCCTAGGGCAA-3'
Protein context (NP_004954.2, residues 369-389): LDDWGDVDST[Met379Thr]VLLYTSVDTK

ClinVar aggregate classification (germline): Uncertain significance. Review status: criteria provided, multiple submitters, no conflicts (2 of 4 stars). 3 submissions from 3 submitters: Uncertain significance (3). Last evaluated 2024-07-13.

Conditions:
Inborn genetic diseases. Identifiers: MedGen C0950123, MeSH D030342.

Allele frequency attached by ClinVar (database versions not stated): gnomAD 0.00002; TOPMed 0.00003.
gnomAD v4.1: 11 of 1,608,586 alleles (0.00068%); highest among the groups gnomAD compares: East Asian, 0.016%; no homozygotes.

Submissions (3):

Labcorp Genetics (formerly Invitae), Labcorp
Classification: Uncertain significance. Last evaluated: 2024-07-13. Review status: criteria provided, single submitter. Criteria: Invitae Variant Classification Sherloc (09022015). Collection method: clinical testing. Allele origin: germline.
Comment: This sequence change replaces methionine, which is neutral and non-polar, with threonine, which is neutral and polar, at codon 379 of the GUCY2C protein (p.Met379Thr). This variant is present in population databases (no rsID available, gnomAD 0.02%). This variant has not been reported in the literature in individuals affected with GUCY2C-related conditions. Advanced modeling of protein sequence and biophysical properties (such as structural, functional, and spatial information, amino acid conservation, physicochemical variation, residue mobility, and thermodynamic stability) performed at Invitae indicates that this missense variant is not expected to disrupt GUCY2C protein function with a negative predictive value of 80%. In summary, the available evidence is currently insufficient to determine the role of this variant in disease. Therefore, it has been classified as a Variant of Uncertain Significance.

Mayo Clinic Laboratories, Mayo Clinic
Classification: Uncertain significance. Last evaluated: 2024-06-19. Review status: criteria provided, single submitter. Criteria: ACMG Guidelines, 2015. Collection method: clinical testing. Allele origin: germline. Observed: 1 variant allele.

Ambry Genetics
Classification: Uncertain significance for Inborn genetic diseases. Last evaluated: 2024-01-29. Review status: criteria provided, single submitter. Criteria: Ambry Variant Classification Scheme 2023. Collection method: clinical testing. Allele origin: germline.